The following is an entry in ClinVar:

ClinVar aggregate classification (germline): Likely benign (1 of 4 stars; one submission).

gnomAD v4.1: 2 of 1,606,556 alleles (0.00012%); highest among the groups gnomAD compares: Non-Finnish European, 0.00017%; no homozygotes.

Submission:

CeGaT Center for Human Genetics Tuebingen
Classification: Likely benign. Last evaluated: 2026-06-01. Review status: criteria provided, single submitter. Criteria: CeGaT Center For Human Genetics Tuebingen Variant Classification Criteria Version 2. Collection method: clinical testing. Allele origin: germline. Affected: yes. Observed: 1 variant allele.
Comment: PIGN: BP4, BP7

NM_176787.5(PIGN):c.1749G>T (p.Arg583=)

Gene: PIGN (phosphatidylinositol glycan anchor biosynthesis class N; minus strand). Cytogenetic location: 18q21.33.
Variant type: single nucleotide variant.
Coding change: c.1749G>T on transcript NM_176787.5 (MANE Select); coding-DNA position 1749, G replaced by T.
Protein change: p.Arg583=; no amino-acid change (arginine 583 retained).
Molecular consequence: synonymous variant.
Genome position (GRCh38, 1-based): chr18:62,106,807, C>A on the plus strand (G>T on the coding strand, the complement: PIGN is on the minus strand). VCF-style: chr18-62106807-C-A. GRCh37 (hg19) VCF-style: chr18-59774040-C-A.
Other names: c.1749G>T, p.Arg583= (NM_001438896.1, NM_001438904.1, NM_001438905.1 and 1 more transcripts); c.1347G>T, p.Arg449= (NM_001438910.1).
Identifiers: ClinVar variation 4875053 (VCV004875053.2).